The following is an entry in ClinVar:

ClinVar aggregate classification (germline): Likely benign (1 of 4 stars; one submission).

Allele frequency attached by ClinVar (database versions not stated): gnomAD exomes 0.00003; ExAC 0.00003; TOPMed 0.00001; gnomAD 0.00001; ESP Exome Variant Server 0.00008.
gnomAD v4.1: 24 of 1,603,548 alleles (0.0015%); highest among the groups gnomAD compares: Non-Finnish European, 0.0021%; no homozygotes.

Submission:

GeneDx
Classification: Likely benign. Last evaluated: 2017-12-27. Review status: criteria provided, single submitter. Criteria: GeneDx Variant Classification (06012015). Collection method: clinical testing. Allele origin: germline. Affected: yes.
Comment: This variant is considered likely benign or benign based on one or more of the following criteria: it is a conservative change, it occurs at a poorly conserved position in the protein, it is predicted to be benign by multiple in silico algorithms, and/or has population frequency not consistent with disease.

NM_001018116.2(CAVIN4):c.714A>C (p.Gly238=)

Gene: CAVIN4 (caveolae associated protein 4; plus strand). Cytogenetic location: 9q31.1.
Variant type: single nucleotide variant.
Coding change: c.714A>C on transcript NM_001018116.2 (MANE Select); coding-DNA position 714, A replaced by C.
Protein change: p.Gly238=; no amino-acid change (glycine 238 retained).
Molecular consequence: synonymous variant.
Genome position (GRCh38, 1-based): chr9:100,586,070, A>C. VCF-style: chr9-100586070-A-C. GRCh37 (hg19) VCF-style: chr9-103348352-A-C.
Other names: c.714A>C, p.Gly238= (LRG_760t1).
Identifiers: ClinVar variation 514323 (VCV000514323.1), dbSNP rs146549670, ClinGen allele CA5160142.